The following is an entry in ClinVar:

ClinVar aggregate classification (germline): Uncertain significance (1 of 4 stars; one submission).

Conditions:
DICER1-related tumor predisposition. Also called: DICER1 syndrome; DICER1-related pleuropulmonary blastoma cancer predisposition syndrome. Identifiers: Orphanet 284343, MedGen C3839822, MONDO:0100216.

Submission:

Labcorp Genetics (formerly Invitae), Labcorp
Classification: Uncertain significance for DICER1-related tumor predisposition. Last evaluated: 2020-12-25. Review status: criteria provided, single submitter. Criteria: Invitae Variant Classification Sherloc (09022015). Collection method: clinical testing. Allele origin: germline.
Comment: This sequence change replaces lysine with glutamic acid at codon 1105 of the DICER1 protein (p.Lys1105Glu). The lysine residue is highly conserved and there is a small physicochemical difference between lysine and glutamic acid. This variant is not present in population databases (ExAC no frequency). In summary, the available evidence is currently insufficient to determine the role of this variant in disease. Therefore, it has been classified as a Variant of Uncertain Significance. Algorithms developed to predict the effect of missense changes on protein structure and function (SIFT, PolyPhen-2, Align-GVGD) all suggest that this variant is likely to be disruptive, but these predictions have not been confirmed by published functional studies and their clinical significance is uncertain. This variant has not been reported in the literature in individuals with DICER1-related conditions.

NM_177438.3(DICER1):c.3313A>G (p.Lys1105Glu)

Gene: DICER1 (dicer 1, ribonuclease III; minus strand). Cytogenetic location: 14q32.13.
Variant type: single nucleotide variant.
Coding change: c.3313A>G on transcript NM_177438.3 (MANE Select); coding-DNA position 3313, A replaced by G.
Protein change: p.Lys1105Glu; replaces lysine 1105 with glutamic acid.
Molecular consequence: missense variant.
Genome position (GRCh38, 1-based): chr14:95,104,083, T>C on the plus strand (A>G on the coding strand, the complement: DICER1 is on the minus strand). VCF-style: chr14-95104083-T-C. GRCh37 (hg19) VCF-style: chr14-95570420-T-C.
Other names: c.3313A>G, p.Lys1105Glu (NM_001195573.1, NM_001271282.3, NM_001291628.2 and 1 more transcripts); short protein forms K1105E.
Identifiers: ClinVar variation 1497452 (VCV001497452.9), dbSNP rs2139971331, ClinGen allele CA390875951.